The following is an entry in ClinVar:

ClinVar aggregate classification (germline): Uncertain significance (1 of 4 stars; one submission).

Conditions:
Inborn genetic diseases. Identifiers: MedGen C0950123, MeSH D030342.

Allele frequency attached by ClinVar (database versions not stated): TOPMed below 0.00001.
gnomAD v4.1: 10 of 1,614,126 alleles (0.00062%); highest among the groups gnomAD compares: Non-Finnish European, 0.00085%; no homozygotes.

Submission:

Ambry Genetics
Classification: Uncertain significance for Inborn genetic diseases. Last evaluated: 2022-10-26. Review status: criteria provided, single submitter. Criteria: Ambry Variant Classification Scheme 2023. Collection method: clinical testing. Allele origin: germline.
Comment: The c.193G>C (p.E65Q) alteration is located in exon 2 (coding exon 2) of the BCL11A gene. This alteration results from a G to C substitution at nucleotide position 193, causing the glutamic acid (E) at amino acid position 65 to be replaced by a glutamine (Q). This variant was not reported in population-based cohorts in the Genome Aggregation Database (gnomAD). This amino acid position is highly conserved in available vertebrate species. This alteration is predicted to be tolerated by in silico analysis. Based on insufficient or conflicting evidence, the clinical significance of this alteration remains unclear.

NM_022893.4(BCL11A):c.193G>C (p.Glu65Gln)

Gene: BCL11A (BCL11 transcription factor A; minus strand). Cytogenetic location: 2p16.1.
Variant type: single nucleotide variant.
Coding change: c.193G>C on transcript NM_022893.4 (MANE Select); coding-DNA position 193, G replaced by C.
Protein change: p.Glu65Gln; replaces glutamic acid 65 with glutamine.
Molecular consequence: missense variant. On other transcripts: 5 prime UTR variant (7).
Genome position (GRCh38, 1-based): chr2:60,546,163, C>G on the plus strand (G>C on the coding strand, the complement: BCL11A is on the minus strand). VCF-style: chr2-60546163-C-G. GRCh37 (hg19) VCF-style: chr2-60773298-C-G.
Other names: c.193G>C, p.Glu65Gln (NM_001363864.1, NM_001365609.1, NM_001405708.1 and 10 more transcripts); c.37G>C, p.Glu13Gln (NM_001405713.1, NM_001405714.1, NM_001405715.1 and 10 more transcripts); c.-233G>C (NM_001405720.1, NM_001405721.1); c.-483G>C (NM_001405725.1, NM_001405726.1, NM_001405731.1); c.-340G>C (NM_001405727.1, NM_001405728.1); short protein forms E65Q, E13Q.
Identifiers: ClinVar variation 2320020 (VCV002320020.2), dbSNP rs1553353022, ClinGen allele CA347040904.